The following is an entry in ClinVar:

ClinVar aggregate classification (germline): Uncertain significance (1 of 4 stars; one submission).

Allele frequency attached by ClinVar (database versions not stated): gnomAD exomes below 0.00001; TOPMed below 0.00001.
gnomAD v4.1: 4 of 1,546,916 alleles (0.00026%); highest among the groups gnomAD compares: African/African-American, 0.0027%; no homozygotes.

Submission:

Labcorp Genetics (formerly Invitae), Labcorp
Classification: Uncertain significance. Last evaluated: 2022-07-20. Review status: criteria provided, single submitter. Criteria: Invitae Variant Classification Sherloc (09022015). Collection method: clinical testing. Allele origin: germline.
Comment: Algorithms developed to predict the effect of missense changes on protein structure and function are either unavailable or do not agree on the potential impact of this missense change (SIFT: "Tolerated"; PolyPhen-2: "Probably Damaging"; Align-GVGD: "Class C0"). This variant has not been reported in the literature in individuals affected with POLG2-related conditions. This variant is present in population databases (no rsID available, gnomAD 0.003%). This sequence change replaces glutamine, which is neutral and polar, with glutamic acid, which is acidic and polar, at codon 397 of the POLG2 protein (p.Gln397Glu). In summary, the available evidence is currently insufficient to determine the role of this variant in disease. Therefore, it has been classified as a Variant of Uncertain Significance.

NM_007215.4(POLG2):c.1189C>G (p.Gln397Glu)

Genes: MILR1 (mast cell immunoglobulin like receptor 1; plus strand), POLG2 (DNA polymerase gamma 2, accessory subunit; minus strand). Cytogenetic location: 17q23.3.
Variant type: single nucleotide variant.
Coding change: c.1189C>G on transcript NM_007215.4 (MANE Select); coding-DNA position 1189, C replaced by G.
Protein change: p.Gln397Glu; replaces glutamine 397 with glutamic acid.
Molecular consequence: missense variant.
Genome position (GRCh38, 1-based): chr17:64,482,921, G>C on the plus strand (C>G on the coding strand, the complement: POLG2 is on the minus strand). VCF-style: chr17-64482921-G-C. GRCh37 (hg19) VCF-style: chr17-62479038-G-C.
Other names: short protein forms Q397E.
Identifiers: ClinVar variation 1964748 (VCV001964748.5), dbSNP rs1555666788, ClinGen allele CA400636957.